The following is an entry in ClinVar:

ClinVar aggregate classification (germline): Uncertain significance (1 of 4 stars; one submission).

Conditions:
Cardiovascular phenotype. Identifiers: MedGen CN230736.

Allele frequency attached by ClinVar (database versions not stated): gnomAD exomes below 0.00001.
gnomAD v4.1: 2 of 1,613,794 alleles (0.00012%); highest among the groups gnomAD compares: Non-Finnish European, 0.00017%; no homozygotes.

Submission:

Ambry Genetics
Classification: Uncertain significance for Cardiovascular phenotype. Last evaluated: 2017-12-12. Review status: criteria provided, single submitter. Criteria: Ambry Variant Classification Scheme 2023. Collection method: clinical testing. Allele origin: germline.
Comment: The p.L23712R variant (also known as c.71135T>G), located in coding exon 179 of the TTN gene, results from a T to G substitution at nucleotide position 71135. The leucine at codon 23712 is replaced by arginine, an amino acid with dissimilar properties. This amino acid position is highly conserved in available vertebrate species. In addition, this alteration is predicted to be probably damaging and damaging by PolyPhen and SIFT in silico analyses, respectively. Since supporting evidence is limited at this time, the clinical significance of this alteration remains unclear.

NM_001267550.2(TTN):c.98330T>G (p.Leu32777Arg)

Genes: TTN (titin; minus strand), TTN-AS1 (TTN antisense RNA 1; plus strand). Cytogenetic location: 2q31.2.
Variant type: single nucleotide variant.
Coding change: c.98330T>G on transcript NM_001267550.2 (MANE Select); coding-DNA position 98330, T replaced by G.
Protein change: p.Leu32777Arg; replaces leucine 32777 with arginine.
Molecular consequence: missense variant. On other transcripts: non-coding transcript variant (1).
Genome position (GRCh38, 1-based): chr2:178,539,735, A>C on the plus strand (T>G on the coding strand, the complement: TTN is on the minus strand). VCF-style: chr2-178539735-A-C. GRCh37 (hg19) VCF-style: chr2-179404462-A-C.
Other names: c.93407T>G, p.Leu31136Arg (NM_001256850.1); c.71135T>G, p.Leu23712Arg (NM_003319.4); c.90626T>G, p.Leu30209Arg (NM_133378.4); c.71510T>G, p.Leu23837Arg (NM_133432.3); c.71711T>G, p.Leu23904Arg (NM_133437.4); short protein forms L23712R, L32777R, L30209R, L23837R, L23904R, L31136R.
Identifiers: ClinVar variation 519048 (VCV000519048.5), dbSNP rs1553510213, ClinGen allele CA349432856.